The following is an entry in ClinVar:

NM_001042492.3(NF1):c.2032_2034delinsACA (p.Pro678Thr)

Gene: NF1 (neurofibromin 1; plus strand). Cytogenetic location: 17q11.2.
Variant type: Indel.
Coding change: c.2032_2034delinsACA on transcript NM_001042492.3 (MANE Select); coding-DNA positions 2032 to 2034, CCG replaced by ACA.
Protein change: p.Pro678Thr; replaces proline 678 with threonine.
Molecular consequence: missense variant.
Genome position (GRCh38, 1-based): chr17:31,226,465-31,226,467, CCG replaced by ACA. VCF-style: chr17-31226465-CCG-ACA. GRCh37 (hg19) VCF-style: chr17-29553483-CCG-ACA.
Other names: c.2032_2034delCCGinsACA (NM_000267.3); c.2032_2034delCCGinsACA, p.Pro678Thr (NM_000267.4); short protein forms P678T.
Identifiers: ClinVar variation 820561 (VCV000820561.5), dbSNP rs1597712318, ClinGen allele CA915949721.
Genomic context (GRCh38, chr17:31,226,465, plus strand): 5'-AAATATATGTCTTCCACCCTTGACTCTCAGGATAGTGCAGCAGGATGCAGCGGAACCCCC[CCG>ACA]ATTTGCCGACAAGCCCAGACCAAACTAGAAGTGGCCCTGTACATGTTTCTGTGGAACCCT-3'
Protein context (NP_001035957.1, residues 668-688): DSAAGCSGTP[Pro678Thr]ICRQAQTKLE

ClinVar aggregate classification (germline): Conflicting classifications of pathogenicity. Review status: criteria provided, conflicting classifications (1 of 4 stars). 2 submissions from 2 submitters: Uncertain significance (1); Likely benign (1). Last evaluated 2025-04-07.

Conditions:
Hereditary cancer-predisposing syndrome. Also called: Neoplastic Syndromes, Hereditary; Tumor predisposition; Hereditary Cancer Syndrome; Hereditary neoplastic syndrome. Identifiers: Orphanet 140162, MedGen C0027672, MeSH D009386, MONDO:0015356.
Cardiovascular phenotype. Identifiers: MedGen CN230736.

Submissions (2):

GeneDx
Classification: Uncertain significance. Last evaluated: 2025-04-07. Review status: criteria provided, single submitter. Criteria: GeneDx Variant Classification Process June 2021. Collection method: clinical testing. Allele origin: germline. Affected: yes.
Comment: Not observed at significant frequency in large population cohorts (gnomAD); In silico analysis indicates that this variant does not alter protein structure/function; Has not been previously published as pathogenic or benign to our knowledge; This variant is associated with the following publications: (PMID: 27535533, 25486365)

Ambry Genetics
Classification: Likely benign for Cardiovascular phenotype; Hereditary cancer-predisposing syndrome. Last evaluated: 2023-06-09. Review status: criteria provided, single submitter. Criteria: Ambry Variant Classification Scheme 2023. Collection method: clinical testing. Allele origin: germline.